The following is an entry in ClinVar:

NM_003070.5(SMARCA2):c.3982-1796G>A

Gene: SMARCA2 (SWI/SNF related BAF chromatin remodeling complex subunit ATPase 2; plus strand). Cytogenetic location: 9p24.3.
Variant type: single nucleotide variant.
Coding change: c.3982-1796G>A on transcript NM_003070.5 (MANE Select); 1796 bases into the intron before coding-DNA position 3982, G replaced by A.
Molecular consequence: intron variant. On other transcripts: missense variant (2).
Genome position (GRCh38, 1-based): chr9:2,159,890, G>A. VCF-style: chr9-2159890-G-A. GRCh37 (hg19) VCF-style: chr9-2159890-G-A.
Other names: c.74G>A, p.Arg25Gln (NM_001289399.2); c.80G>A, p.Arg27Gln (NM_001289400.2); c.3982-1796G>A (NM_139045.4, NM_001289396.2); c.3808-1796G>A (NM_001289397.2); c.10-1796G>A (NM_001289398.2); short protein forms R25Q, R27Q.
Identifiers: ClinVar variation 4978401 (VCV004978401.1).
Genomic context (GRCh38, chr9:2,159,890, plus strand): 5'-CAGCTCGCTGCTTTGCTGGCTTGTTAATTTTATCCCCACTAACTGTGATTTCTGATAGCC[G>A]GCCTGCTGATAGTGGTAAGGTAAATATCCTTTTTCGTTGCCGTCTTGAAGATTCAGTAGA-3'

ClinVar aggregate classification (germline): Likely benign (1 of 4 stars; one submission).

Conditions:
SMARCA2-related disorder. Also called: SMARCA2-related condition.

gnomAD v4.1: 61 of 1,611,720 alleles (0.0038%); highest among the groups gnomAD compares: East Asian, 0.0045%; no homozygotes.

Submission:

PreventionGenetics, part of Exact Sciences
Classification: Likely benign for SMARCA2-related condition. Last evaluated: 2025-02-20. Review status: criteria provided, single submitter. Criteria: ACMG Guidelines, 2015. Collection method: clinical testing. Allele origin: germline.
Comment: This variant is classified as likely benign based on ACMG/AMP sequence variant interpretation guidelines (Richards et al. 2015 PMID: 25741868, with internal and published modifications).